The following is an entry in ClinVar:

NM_004655.4(AXIN2):c.2285G>C (p.Ser762Thr)

Gene: AXIN2 (axin 2; minus strand). Cytogenetic location: 17q24.1.
Variant type: single nucleotide variant.
Coding change: c.2285G>C on transcript NM_004655.4 (MANE Select); coding-DNA position 2285, G replaced by C.
Protein change: p.Ser762Thr; replaces serine 762 with threonine.
Molecular consequence: missense variant.
Genome position (GRCh38, 1-based): chr17:65,534,032, C>G on the plus strand (G>C on the coding strand, the complement: AXIN2 is on the minus strand). VCF-style: chr17-65534032-C-G. GRCh37 (hg19) VCF-style: chr17-63530150-C-G.
Other names: c.2090G>C, p.Ser697Thr (NM_001363813.1); short protein forms S697T, S762T.
Identifiers: ClinVar variation 4188605 (VCV004188605.1).

ClinVar aggregate classification (germline): Uncertain significance (1 of 4 stars; one submission).

Conditions:
Hereditary cancer-predisposing syndrome. Also called: Neoplastic Syndromes, Hereditary; Tumor predisposition; Hereditary Cancer Syndrome; Hereditary neoplastic syndrome. Identifiers: Orphanet 140162, MedGen C0027672, MeSH D009386, MONDO:0015356.

Submission:

Ambry Genetics
Classification: Uncertain significance for Hereditary cancer-predisposing syndrome. Last evaluated: 2025-09-11. Review status: criteria provided, single submitter. Criteria: Ambry Variant Classification Scheme 2023. Collection method: clinical testing. Allele origin: germline.
Comment: The p.S762T variant (also known as c.2285G>C), located in coding exon 9 of the AXIN2 gene, results from a G to C substitution at nucleotide position 2285. The serine at codon 762 is replaced by threonine, an amino acid with similar properties. This amino acid position is conserved. In addition, this alteration is predicted to be tolerated by in silico analysis. Based on the available evidence, the clinical significance of this variant remains unclear.